The following is an entry in ClinVar:

NM_000548.5(TSC2):c.515dup (p.Leu172fs)

Gene: TSC2 (TSC complex subunit 2; plus strand). Cytogenetic location: 16p13.3.
Variant type: Duplication.
Coding change: c.515dup on transcript NM_000548.5 (MANE Select); coding-DNA position 515, one base duplicated (T; older notation c.515dupT).
Protein change: p.Leu172fs; shifts the reading frame from leucine 172.
Molecular consequence: frameshift variant. On other transcripts: intron variant (1).
Genome position (GRCh38, 1-based): chr16:2,055,435, T duplicated; the last of 2 consecutive T bases (chr16:2,055,434-2,055,435); duplicating either gives the same sequence. VCF-style (leftmost placement, unchanged base first): chr16-2055433-C-CT. GRCh37 (hg19) VCF-style: chr16-2105434-C-CT.
Other names: c.368dup, p.Leu123Phefs (NM_001406675.1, NM_001406676.1, NM_001406679.1); c.458dup, p.Leu153Phefs (NM_001406677.1); c.404dup, p.Leu135Phefs (NM_001406678.1, NM_001406670.1); c.-302dup (NM_001406680.1, NM_001406683.1, NM_001406687.1); c.53dup, p.Leu18Phefs (NM_001406681.1); c.-917dup (NM_001406689.1, NM_001406690.1, NM_001406691.1 and 2 more transcripts); c.-1133dup (NM_001406693.1); c.-798dup (NM_001406694.1, NM_001406695.1); and 9 more; short protein forms L135fs, L123fs, L172fs, L183fs.
Identifiers: ClinVar variation 2102073 (VCV002102073.4), dbSNP rs2548433982, ClinGen allele CA2580090674.

ClinVar aggregate classification (germline): Pathogenic (1 of 4 stars; one submission).

Conditions:
Tuberous sclerosis 2 (TSC2). Identifiers: Orphanet 805, MedGen C1860707, MONDO:0013199, OMIM 613254.

Submission:

Labcorp Genetics (formerly Invitae), Labcorp
Classification: Pathogenic for Tuberous sclerosis 2. Last evaluated: 2022-02-22. Review status: criteria provided, single submitter. Criteria: Invitae Variant Classification Sherloc (09022015). Collection method: clinical testing. Allele origin: germline.
Comment: This sequence change creates a premature translational stop signal (p.Leu172Phefs*17) in the TSC2 gene. It is expected to result in an absent or disrupted protein product. Loss-of-function variants in TSC2 are known to be pathogenic (PMID: 10205261, 17304050). This variant is not present in population databases (gnomAD no frequency). This variant has not been reported in the literature in individuals affected with TSC2-related conditions. Algorithms developed to predict the effect of sequence changes on RNA splicing suggest that this variant may disrupt the consensus splice site. For these reasons, this variant has been classified as Pathogenic.

Literature cited by the submitters: PubMed 10205261; PubMed 17304050.